The following is an entry in ClinVar:

ClinVar aggregate classification (germline): Uncertain significance (1 of 4 stars; one submission).

Submission:

GeneDx
Classification: Uncertain significance. Last evaluated: 2026-04-09. Review status: criteria provided, single submitter. Criteria: GeneDx Variant Classification Process June 2021. Collection method: clinical testing. Allele origin: germline.
Comment: Not observed at significant frequency in large population cohorts (gnomAD); In-frame deletion of 1 amino acid(s) in a non-repeat region; Has not been previously published as pathogenic or benign to our knowledge; In silico analysis does not support a benign or deleterious effect of this variant on protein structure/function

NM_001297719.2(BMAL1):c.1318GTT[1] (p.Val441del)

Gene: BMAL1 (basic helix-loop-helix ARNT like 1; plus strand). Cytogenetic location: 11p15.3.
Variant type: Microsatellite.
Coding change: c.1318GTT[1] on transcript NM_001297719.2 (MANE Select); one copy of the 3-base unit GTT starting at c.1318; the reference has two copies in a row; one copy, 3 bases deleted.
Protein change: p.Val441del; deletes valine 441.
Molecular consequence: inframe deletion. On other transcripts: non-coding transcript variant (7).
Genome position (GRCh38, 1-based): chr11:13,375,758-13,375,760, GTT deleted; deleting any 3 consecutive bases within chr11:13,375,754-13,375,760 gives the same sequence; the position shown is the placement nearest the transcript's 3' end. VCF-style (leftmost placement, unchanged base first): chr11-13375753-CTGT-C. GRCh37 (hg19) VCF-style: chr11-13397300-CTGT-C.
Other names: c.1315GTT[1], p.Val440del (NM_001030272.3, NM_001178.6, NM_001351804.1 and 2 more transcripts); c.1186GTT[1], p.Val397del (NM_001030273.3, NM_001351813.2, NM_001351818.2); c.1318GTT[1], p.Val441del (NM_001297722.2, NM_001351807.2, NM_001351814.2 and 1 more transcripts); c.1189GTT[1], p.Val398del (NM_001297724.2, NM_001351808.2, NM_001351816.2 and 4 more transcripts); c.1279GTT[1], p.Val428del (NM_001351805.2); c.1276GTT[1], p.Val427del (NM_001351806.2); c.1267GTT[1], p.Val424del (NM_001351809.2, NM_001351812.2); c.964GTT[1], p.Val323del (NM_001351810.2, NM_001351817.2); and 1 more; short protein forms V191del, V323del, V397del, V398del, V424del, V427del, V428del, V440del.
Identifiers: ClinVar variation 5018393 (VCV005018393.1).